The following is an entry in ClinVar:

NM_018557.3(LRP1B):c.6357G>A (p.Thr2119=)

Gene: LRP1B (LDL receptor related protein 1B; minus strand). Cytogenetic location: 2q22.1.
Variant type: single nucleotide variant.
Coding change: c.6357G>A on transcript NM_018557.3 (MANE Select); coding-DNA position 6357, G replaced by A.
Protein change: p.Thr2119=; no amino-acid change (threonine 2119 retained).
Molecular consequence: synonymous variant.
Genome position (GRCh38, 1-based): chr2:140,701,791, C>T on the plus strand (G>A on the coding strand, the complement: LRP1B is on the minus strand). VCF-style: chr2-140701791-C-T. GRCh37 (hg19) VCF-style: chr2-141459360-C-T.
Identifiers: ClinVar variation 774596 (VCV000774596.30), dbSNP rs139951414, ClinGen allele CA1894598.

ClinVar aggregate classification (germline): Benign/Likely benign. Review status: criteria provided, multiple submitters, no conflicts (2 of 4 stars). 5 submissions from 5 submitters: Benign (2); Likely benign (2). 1 of the submissions does not count toward it. Last evaluated 2026-07-01.

Conditions:
LRP1B-related disorder. Also called: LRP1B-related condition.

Allele frequency attached by ClinVar (database versions not stated): 1000 Genomes Project 0.00080; 1000 Genomes Project 30x 0.00125; gnomAD 0.00365 and 0.00375; TOPMed 0.00369; gnomAD exomes 0.00385; ExAC 0.00475; ESP Exome Variant Server 0.00492.
gnomAD v4.1: 8,539 of 1,613,104 alleles (0.53%); highest among the groups gnomAD compares: Non-Finnish European, 0.67%; 22 homozygotes.

Submissions (5):

Ambry Genetics
Classification: Likely benign. Last evaluated: 2026-07-01. Review status: criteria provided, single submitter. Criteria: Ambry Variant Classification Scheme 2023. Collection method: clinical testing. Allele origin: germline.

CeGaT Center for Human Genetics Tuebingen
Classification: Likely benign. Last evaluated: 2022-11-01. Review status: criteria provided, single submitter. Criteria: CeGaT Center For Human Genetics Tuebingen Variant Classification Criteria Version 2. Collection method: clinical testing. Allele origin: germline. Affected: yes. Observed: 2 variant alleles.
Comment: LRP1B: BP4, BP7

Labcorp Genetics (formerly Invitae), Labcorp
Classification: Benign. Last evaluated: 2017-12-27. Review status: criteria provided, single submitter. Criteria: Invitae Variant Classification Sherloc (09022015). Collection method: clinical testing. Allele origin: germline.

Breakthrough Genomics
Classification: Benign. Review status: criteria provided, single submitter. Criteria: ACMG Guidelines, 2015. Collection method: not provided. Allele origin: germline. Inheritance: Unknown mechanism. Affected: yes.

PreventionGenetics, part of Exact Sciences
Classification: Likely benign for LRP1B-related condition. Last evaluated: 2019-03-28. Review status: no assertion criteria provided. Collection method: clinical testing. Allele origin: germline. Not counted in ClinVar's aggregate classification.
Comment: This variant is classified as likely benign based on ACMG/AMP sequence variant interpretation guidelines (Richards et al. 2015 PMID: 25741868, with internal and published modifications).